The following is an entry in ClinVar:

NM_000520.6(HEXA):c.1028G>T (p.Gly343Val)

Gene: HEXA (hexosaminidase subunit alpha; minus strand). Cytogenetic location: 15q23.
Variant type: single nucleotide variant.
Coding change: c.1028G>T on transcript NM_000520.6 (MANE Select); coding-DNA position 1028, G replaced by T.
Protein change: p.Gly343Val; replaces glycine 343 with valine.
Molecular consequence: missense variant. On other transcripts: non-coding transcript variant (1).
Genome position (GRCh38, 1-based): chr15:72,348,093, C>A on the plus strand (G>T on the coding strand, the complement: HEXA is on the minus strand). VCF-style: chr15-72348093-C-A. GRCh37 (hg19) VCF-style: chr15-72640434-C-A.
Other names: c.1061G>T (NM_001318825.1); c.1061G>T, p.Gly354Val (NM_001318825.2); short protein forms G354V, G343V.
Identifiers: ClinVar variation 649716 (VCV000649716.10), dbSNP rs191330716, ClinGen allele CA7644838.
Genomic context (GRCh38, chr15:72,348,093, plus strand): 5'-TCCTTCCTTCCTCACGTCTGGATGTAGAAGGACTCCAGCTGCTTGAAGTCCTCACCGAAG[C>A]CTTTCTTCCTCATAAAGTCCTGGATCTCTGGGTTGGACTTCCTGAATCCCAAGAGAAAAT-3'
Protein context (NP_000511.2, residues 333-353): PEIQDFMRKK[Gly343Val]FGEDFKQLES

ClinVar aggregate classification (germline): Uncertain significance. Review status: criteria provided, multiple submitters, no conflicts (2 of 4 stars). 7 submissions from 7 submitters: Uncertain significance (6). 1 of the submissions does not count toward it. Last evaluated 2024-07-03.

Conditions:
Tay-Sachs disease (TSD). Also called: HEXA DEFICIENCY; Hexosaminidase A Deficiency; GM2 gangliosidosis, type 1; Hexosaminidase alpha-subunit deficiency (variant B); Sphingolipidosis, Tay-Sachs; HEXA Disorders. Identifiers: Orphanet 845, MedGen C0039373, MONDO:0010100, OMIM 272800.

Allele frequency attached by ClinVar (database versions not stated): 1000 Genomes Project 0.00140; 1000 Genomes Project 30x 0.00141; TOPMed 0.00023.
gnomAD v4.1: 132 of 1,613,822 alleles (0.0082%); highest among the groups gnomAD compares: Admixed American, 0.17%; 3 homozygotes.

Submissions (7):

GeneDx
Classification: Uncertain significance. Last evaluated: 2024-07-03. Review status: criteria provided, single submitter. Criteria: GeneDx Variant Classification Process June 2021. Collection method: clinical testing. Allele origin: germline. Affected: yes.
Comment: Reported previously in the heterozygous state in a patient with enzyme levels consistent with level of a carrier (PMID: 12180151); In silico analysis supports that this missense variant has a deleterious effect on protein structure/function; This variant is associated with the following publications: (PMID: 12180151)

Blueprint Genetics
Classification: Uncertain significance. Last evaluated: 2024-04-11. Review status: criteria provided, single submitter. Criteria: ACMG Guidelines, 2015. Collection method: clinical testing. Allele origin: germline.

Quest Diagnostics Nichols Institute San Juan Capistrano
Classification: Uncertain significance. Last evaluated: 2023-05-15. Review status: criteria provided, single submitter. Criteria: Quest Diagnostics criteria. Collection method: clinical testing. Allele origin: unknown.
Comment: The c.1028G>T (p.Gly343Val) variant has been reported in a carrier with reduced HexA enzymatic activity in the published literature (PMID: 12180151 (2002)). The frequency of this variant in the general population, 0.00034 (12/35440 chromosomes), is uninformative in assessment of its pathogenicity. Based on the available information, we are unable to determine the clinical significance of this variant.

Labcorp Genetics (formerly Invitae), Labcorp
Classification: Uncertain significance for Tay-Sachs disease. Last evaluated: 2022-10-25. Review status: criteria provided, single submitter. Criteria: Invitae Variant Classification Sherloc (09022015). Collection method: clinical testing. Allele origin: germline.
Comment: This sequence change replaces glycine, which is neutral and non-polar, with valine, which is neutral and non-polar, at codon 343 of the HEXA protein (p.Gly343Val). This variant is present in population databases (rs191330716, gnomAD 0.04%). This variant has not been reported in the literature in individuals affected with HEXA-related conditions. ClinVar contains an entry for this variant (Variation ID: 649716). Advanced modeling of protein sequence and biophysical properties (such as structural, functional, and spatial information, amino acid conservation, physicochemical variation, residue mobility, and thermodynamic stability) performed at Invitae indicates that this missense variant is expected to disrupt HEXA protein function. In summary, the available evidence is currently insufficient to determine the role of this variant in disease. Therefore, it has been classified as a Variant of Uncertain Significance.

Clinical Genetics Laboratory, Skane University Hospital Lund
Classification: Uncertain significance. Last evaluated: 2022-05-27. Review status: criteria provided, single submitter. Criteria: ACMG Guidelines, 2015. Collection method: clinical testing. Allele origin: germline. Affected: yes.

Breakthrough Genomics
Classification: Uncertain significance. Review status: criteria provided, single submitter. Criteria: ACMG Guidelines, 2015. Collection method: not provided. Allele origin: germline. Inheritance: Autosomal recessive inheritance. Affected: yes.

Natera, Inc.
Classification: Uncertain significance for Tay-Sachs disease. Last evaluated: 2017-04-21. Review status: no assertion criteria provided. Collection method: clinical testing. Allele origin: germline. Not counted in ClinVar's aggregate classification.

Literature cited by the submitters: PubMed 12180151 (cited by Quest Diagnostics Nichols Institute San Juan Capistrano).